The following is an entry in ClinVar:

NM_001845.6(COL4A1):c.4333G>A (p.Gly1445Ser)

Gene: COL4A1 (collagen type IV alpha 1 chain; minus strand). Cytogenetic location: 13q34.
Variant type: single nucleotide variant.
Coding change: c.4333G>A on transcript NM_001845.6 (MANE Select); coding-DNA position 4333, G replaced by A.
Protein change: p.Gly1445Ser; replaces glycine 1445 with serine.
Molecular consequence: missense variant.
Genome position (GRCh38, 1-based): chr13:110,162,359, C>T on the plus strand (G>A on the coding strand, the complement: COL4A1 is on the minus strand). VCF-style: chr13-110162359-C-T. GRCh37 (hg19) VCF-style: chr13-110814706-C-T.
Other names: short protein forms G1445S.
Identifiers: ClinVar variation 1385884 (VCV001385884.10), dbSNP rs752572653, ClinGen allele CA7046952.

ClinVar aggregate classification (germline): Uncertain significance. Review status: criteria provided, multiple submitters, no conflicts (2 of 4 stars). 2 submissions from 2 submitters: Uncertain significance (2). Last evaluated 2021-03-22.

Conditions:
Autosomal dominant familial hematuria-retinal arteriolar tortuosity-contractures syndrome. Also called: Hereditary Angiopathy with Nephropathy, Aneurysms, and Muscle Cramps (HANAC) Syndrome; Angiopathy, hereditary, with nephropathy, aneurysms, and muscle cramps. Identifiers: Orphanet 73229, MedGen C2673195, MONDO:0012726, OMIM 611773.
Hemorrhage, intracerebral, susceptibility to (ICH). Also called: Stroke, hemorrhagic, susceptibility to. Identifiers: MedGen C3281105, MONDO:0100533, OMIM 614519.
Retinal arterial tortuosity. Also called: RETINAL HEMORRHAGE WITH VASCULAR TORTUOSITY; Retinal arteries, tortuosity of. Identifiers: Orphanet 75326, MedGen C0423401, MONDO:0008373, OMIM 180000, HP:0000631.
Microangiopathy and leukoencephalopathy, pontine, autosomal dominant. Also called: Pontine autosomal dominant microangiopathy with leukoencephalopathy; DEMENTIA, HEREDITARY MULTI-INFARCT, SWEDISH TYPE. Identifiers: Orphanet 477749, MedGen C5231411, MONDO:0032814, OMIM 618564.
Brain small vessel disease 1 with or without ocular anomalies (BSVD1). Also called: BRAIN SMALL VESSEL DISEASE WITH HEMORRHAGE; GOULD SYNDROME 1; Brain small vessel disease with or without ocular anomalies; PORENCEPHALY, TYPE 1, AUTOSOMAL DOMINANT. Identifiers: Orphanet 2940, Orphanet 36383, Orphanet 99810, MedGen C4755307, MONDO:0008289, OMIM 175780.

Allele frequency attached by ClinVar (database versions not stated): ExAC 0.00002; gnomAD exomes 0.00002 and below 0.00001; gnomAD 0.00001.
gnomAD v4.1: 9 of 1,614,062 alleles (0.00056%); highest among the groups gnomAD compares: Admixed American, 0.0067%; no homozygotes.

Submissions (2):

Labcorp Genetics (formerly Invitae), Labcorp
Classification: Uncertain significance. Last evaluated: 2021-03-22. Review status: criteria provided, single submitter. Criteria: Invitae Variant Classification Sherloc (09022015). Collection method: clinical testing. Allele origin: germline.
Comment: In summary, the available evidence is currently insufficient to determine the role of this variant in disease. Therefore, it has been classified as a Variant of Uncertain Significance. Algorithms developed to predict the effect of sequence changes on RNA splicing suggest that this variant may create or strengthen a splice site, but this prediction has not been confirmed by published transcriptional studies. Advanced modeling of protein sequence and biophysical properties (such as structural, functional, and spatial information, amino acid conservation, physicochemical variation, residue mobility, and thermodynamic stability) performed at Invitae indicates that this missense variant is expected to disrupt COL4A1 protein function. This variant has not been reported in the literature in individuals with COL4A1-related conditions. This variant is present in population databases (rs752572653, ExAC 0.009%). This sequence change replaces glycine with serine at codon 1445 of the COL4A1 protein (p.Gly1445Ser). The glycine residue is highly conserved and there is a small physicochemical difference between glycine and serine.

Juno Genomics, Hangzhou Juno Genomics, Inc
Classification: Uncertain significance for Retinal arterial tortuosity; Hemorrhage, intracerebral, susceptibility to; Autosomal dominant familial hematuria-retinal arteriolar tortuosity-contractures syndrome; Brain small vessel disease 1 with or without ocular anomalies; Microangiopathy and leukoencephalopathy, pontine, autosomal dominant. Review status: criteria provided, single submitter. Criteria: ACMG Guidelines, 2015. Collection method: clinical testing. Allele origin: germline.
Comment: Absent from controls (or at extremely low frequency if recessive) in Genome Aggregation Database.;Missense variant in a gene that has a low rate of benign missense variation.;Multiple lines of computational evidence support a deleterious effect on the gene or gene product.